The following is an entry in ClinVar:

ClinVar aggregate classification (germline): Pathogenic (1 of 4 stars; one submission).

Submission:

Labcorp Genetics (formerly Invitae), Labcorp
Classification: Pathogenic. Last evaluated: 2024-07-15. Review status: criteria provided, single submitter. Criteria: Invitae Variant Classification Sherloc (09022015). Collection method: clinical testing. Allele origin: germline.
Comment: This sequence change creates a premature translational stop signal (p.Ser661Valfs*24) in the NSD1 gene. It is expected to result in an absent or disrupted protein product. Loss-of-function variants in NSD1 are known to be pathogenic (PMID: 12464997, 14571271, 15942875, 16247291). This variant is not present in population databases (gnomAD no frequency). This variant has not been reported in the literature in individuals affected with NSD1-related conditions. ClinVar contains an entry for this variant (Variation ID: 2123838). For these reasons, this variant has been classified as Pathogenic.

Literature cited by the submitters: PubMed 12464997; PubMed 14571271; PubMed 15942875; PubMed 16247291.

NM_022455.5(NSD1):c.1981del (p.Ser661fs)

Gene: NSD1 (nuclear receptor binding SET domain protein 1; plus strand). Cytogenetic location: 5q35.3.
Variant type: Deletion.
Coding change: c.1981del on transcript NM_022455.5 (MANE Select); coding-DNA position 1981, one base deleted (A; older notation c.1981delA).
Protein change: p.Ser661fs; shifts the reading frame from serine 661.
Molecular consequence: frameshift variant.
Genome position (GRCh38, 1-based): chr5:177,210,380, A deleted. VCF-style (leftmost placement, unchanged base first): chr5-177210379-CA-C. GRCh37 (hg19) VCF-style: chr5-176637380-CA-C.
Other names: c.1108delA, p.Ser370Valfs (NM_001365684.2, NM_001409306.1, NM_001409307.1 and 3 more transcripts); c.1981delA, p.Ser661Valfs (NM_001409301.1, NM_001409302.1, NM_001409303.1); c.1561delA, p.Ser521Valfs (NM_001409304.1); c.1228delA, p.Ser410Valfs (NM_001409305.1); short protein forms S661fs, S392fs.
Identifiers: ClinVar variation 2123838 (VCV002123838.4), dbSNP rs2480449646, ClinGen allele CA2580074060.